The following is an entry in ClinVar:

NM_001172560.3(SSTR5):c.998C>T (p.Thr333Met)

Gene: SSTR5 (somatostatin receptor 5; plus strand). Cytogenetic location: 16p13.3.
Variant type: single nucleotide variant.
Coding change: c.998C>T on transcript NM_001172560.3 (MANE Select); coding-DNA position 998, C replaced by T.
Protein change: p.Thr333Met; replaces threonine 333 with methionine.
Molecular consequence: missense variant.
Genome position (GRCh38, 1-based): chr16:1,079,866, C>T. VCF-style: chr16-1079866-C-T. GRCh37 (hg19) VCF-style: chr16-1129866-C-T.
Other names: c.998C>T, p.Thr333Met (NM_001053.4); short protein forms T333M.
Identifiers: ClinVar variation 771482 (VCV000771482.7), dbSNP rs12596873, ClinGen allele CA7798887.

ClinVar aggregate classification (germline): Benign. Review status: criteria provided, multiple submitters, no conflicts (2 of 4 stars). 3 submissions from 3 submitters: Benign (2). 1 of the submissions does not count toward it. Last evaluated 2019-12-31.

Conditions:
SSTR5-related disorder. Also called: SSTR5-related condition.

Allele frequency attached by ClinVar (database versions not stated): ESP Exome Variant Server 0.00069; gnomAD exomes 0.00258 and 0.01059; gnomAD 0.00571 and 0.00591; 1000 Genomes Project 30x 0.00703; 1000 Genomes Project 0.00719; ExAC 0.00781; TOPMed 0.00892.

Submissions (3):

Labcorp Genetics (formerly Invitae), Labcorp
Classification: Benign. Last evaluated: 2019-12-31. Review status: criteria provided, single submitter. Criteria: Invitae Variant Classification Sherloc (09022015). Collection method: clinical testing. Allele origin: germline.

Breakthrough Genomics
Classification: Benign. Review status: criteria provided, single submitter. Criteria: ACMG Guidelines, 2015. Collection method: not provided. Allele origin: germline. Inheritance: Unknown mechanism. Affected: yes.

PreventionGenetics, part of Exact Sciences
Classification: Benign for SSTR5-related condition. Last evaluated: 2020-01-20. Review status: no assertion criteria provided. Collection method: clinical testing. Allele origin: germline. Not counted in ClinVar's aggregate classification.
Comment: This variant is classified as benign based on ACMG/AMP sequence variant interpretation guidelines (Richards et al. 2015 PMID: 25741868, with internal and published modifications).